The following is an entry in ClinVar:

NM_001101362.3(KBTBD13):c.146G>C (p.Arg49Pro)

Gene: KBTBD13 (kelch repeat and BTB domain containing 13; plus strand). Cytogenetic location: 15q22.31.
Variant type: single nucleotide variant.
Coding change: c.146G>C on transcript NM_001101362.3 (MANE Select); coding-DNA position 146, G replaced by C.
Protein change: p.Arg49Pro; replaces arginine 49 with proline.
Molecular consequence: missense variant.
Genome position (GRCh38, 1-based): chr15:65,076,961, G>C. VCF-style: chr15-65076961-G-C. GRCh37 (hg19) VCF-style: chr15-65369299-G-C.
Other names: short protein forms R49P.
Identifiers: ClinVar variation 2082628 (VCV002082628.4), dbSNP rs1027726798, ClinGen allele CA392856712.

ClinVar aggregate classification (germline): Uncertain significance (1 of 4 stars; one submission).

Conditions:
Nemaline myopathy 6 (NEM6). Also called: Nemaline myopathy 6, autosomal dominant. Identifiers: Orphanet 171439, MedGen C1836472, MONDO:0012237, OMIM 609273.

Submission:

Labcorp Genetics (formerly Invitae), Labcorp
Classification: Uncertain significance for Nemaline myopathy 6. Last evaluated: 2024-11-27. Review status: criteria provided, single submitter. Criteria: Invitae Variant Classification Sherloc (09022015). Collection method: clinical testing. Allele origin: germline.
Comment: This sequence change replaces arginine, which is basic and polar, with proline, which is neutral and non-polar, at codon 49 of the KBTBD13 protein (p.Arg49Pro). This variant is present in population databases (no rsID available, gnomAD 0.004%). This variant has not been reported in the literature in individuals affected with KBTBD13-related conditions. ClinVar contains an entry for this variant (Variation ID: 2082628). Invitae Evidence Modeling of protein sequence and biophysical properties (such as structural, functional, and spatial information, amino acid conservation, physicochemical variation, residue mobility, and thermodynamic stability) indicates that this missense variant is not expected to disrupt KBTBD13 protein function with a negative predictive value of 80%. In summary, the available evidence is currently insufficient to determine the role of this variant in disease. Therefore, it has been classified as a Variant of Uncertain Significance.